The following is an entry in ClinVar:

NM_000037.4(ANK1):c.1782C>A (p.Ser594=)

Genes: ANK1 (ankyrin 1; minus strand), LOC126860369 (BRD4-independent group 4 enhancer GRCh37_chr8:41570734-41571933; plus strand). Cytogenetic location: 8p11.21.
Variant type: single nucleotide variant.
Coding change: c.1782C>A on transcript NM_000037.4 (MANE Select); coding-DNA position 1782, C replaced by A.
Protein change: p.Ser594=; no amino-acid change (serine 594 retained).
Molecular consequence: synonymous variant.
Genome position (GRCh38, 1-based): chr8:41,714,174, G>T on the plus strand (C>A on the coding strand, the complement: ANK1 is on the minus strand). VCF-style: chr8-41714174-G-T. GRCh37 (hg19) VCF-style: chr8-41571692-G-T.
Other names: p.Ser594=; c.1881C>A, p.Ser627= (NM_001142446.2); c.1782C>A, p.Ser594= (NM_020475.3, NM_020476.3, NM_020477.3).
Identifiers: ClinVar variation 261294 (VCV000261294.31), dbSNP rs61753679, ClinGen allele CA4728490.

ClinVar aggregate classification (germline): Benign/Likely benign. Review status: criteria provided, multiple submitters, no conflicts (2 of 4 stars). 9 submissions from 8 submitters: Benign (6); Likely benign (3). Last evaluated 2026-01-22.

Conditions:
Spherocytosis. Identifiers: MedGen C0553720, HP:0004444.
Hereditary spherocytosis type 1. Also called: Spherocytosis type 1; ANK1-Related Spherocytosis. Identifiers: Orphanet 822, MedGen C2674218, MONDO:0008447, OMIM 182900.

Allele frequency attached by ClinVar (database versions not stated): 1000 Genomes Project 0.01098; 1000 Genomes Project 30x 0.01156; gnomAD exomes 0.02212; gnomAD 0.02283 and 0.02349; TOPMed 0.02378; ESP Exome Variant Server 0.02638; ExAC 0.02928.
gnomAD v4.1: 47,038 of 1,443,150 alleles (3.3%); highest among the groups gnomAD compares: Non-Finnish European, 3.9%; 955 homozygotes.

Submissions (9):

Labcorp Genetics (formerly Invitae), Labcorp
Classification: Benign. Last evaluated: 2026-01-22. Review status: criteria provided, single submitter. Criteria: Invitae Variant Classification Sherloc (09022015). Collection method: clinical testing. Allele origin: germline.

ARUP Laboratories, Molecular Genetics and Genomics, ARUP Laboratories
Classification: Benign for Hereditary spherocytosis type 1. Last evaluated: 2025-07-18. Review status: criteria provided, single submitter. Criteria: ARUP Molecular Germline Variant Investigation Process 2024. Collection method: clinical testing. Allele origin: germline.

Blueprint Genetics
Classification: Likely benign. Last evaluated: 2024-11-27. Review status: criteria provided, single submitter. Criteria: ACMG Guidelines, 2015. Collection method: clinical testing. Allele origin: germline.

Mayo Clinic Laboratories, Mayo Clinic
Classification: Benign. Last evaluated: 2022-05-19. Review status: criteria provided, single submitter. Criteria: ACMG Guidelines, 2015. Collection method: clinical testing. Allele origin: germline. Observed: 91 variant alleles.
Comment: BS1, BS2

Genome-Nilou Lab
Classification: Benign for Hereditary spherocytosis type 1. Last evaluated: 2021-12-05. Review status: criteria provided, single submitter. Criteria: ACMG Guidelines, 2015. Collection method: clinical testing. Allele origin: germline. Affected: no.

Illumina Laboratory Services, Illumina
Classification: Benign for Hereditary spherocytosis type 1. Last evaluated: 2018-01-12. Review status: criteria provided, single submitter. Criteria: ICSL Variant Classification Criteria 13 December 2019. Collection method: clinical testing. Allele origin: germline.
Comment: This variant was observed in the ICSL laboratory as part of a predisposition screen in an ostensibly healthy population. It had not been previously curated by ICSL or reported in the Human Gene Mutation Database (HGMD: prior to June 1st, 2018), and was therefore a candidate for classification through an automated scoring system. Utilizing variant allele frequency, disease prevalence and penetrance estimates, and inheritance mode, an automated score was calculated to assess if this variant is too frequent to cause the disease. Based on the score and internal cut-off values, a variant classified as benign is not then subjected to further curation. The score for this variant resulted in a classification of benign for this disease.

Illumina Laboratory Services, Illumina
Classification: Likely benign for Spherocytosis. Last evaluated: 2018-01-12. Review status: criteria provided, single submitter. Criteria: ICSL Variant Classification Criteria 13 December 2019. Collection method: clinical testing. Allele origin: germline.
Comment: This variant was observed in the ICSL laboratory as part of a predisposition screen in an ostensibly healthy population. It had not been previously curated by ICSL or reported in the Human Gene Mutation Database (HGMD: prior to June 1st, 2018), and was therefore a candidate for classification through an automated scoring system. Utilizing variant allele frequency, disease prevalence and penetrance estimates, and inheritance mode, an automated score was calculated to assess if this variant is too frequent to cause the disease. Based on the score and internal cut-off values, a variant classified as likely benign is not then subjected to further curation. The score for this variant resulted in a classification of likely benign for this disease.

Breakthrough Genomics
Classification: Likely benign. Review status: criteria provided, single submitter. Criteria: ACMG Guidelines, 2015. Collection method: not provided. Allele origin: germline. Inheritance: Autosomal dominant inheritance. Affected: yes.

PreventionGenetics, part of Exact Sciences
Classification: Benign. Review status: criteria provided, single submitter. Criteria: ACMG Guidelines, 2015. Collection method: clinical testing. Allele origin: germline.